The following is an entry in ClinVar:

NM_000090.4(COL3A1):c.973G>A (p.Ala325Thr)

Gene: COL3A1 (collagen type III alpha 1 chain; plus strand). Cytogenetic location: 2q32.2.
Variant type: single nucleotide variant.
Coding change: c.973G>A on transcript NM_000090.4 (MANE Select); coding-DNA position 973, G replaced by A.
Protein change: p.Ala325Thr; replaces alanine 325 with threonine.
Molecular consequence: missense variant.
Genome position (GRCh38, 1-based): chr2:188,992,205, G>A. VCF-style: chr2-188992205-G-A. GRCh37 (hg19) VCF-style: chr2-189856931-G-A.
Other names: short protein forms A325T.
Identifiers: ClinVar variation 4537720 (VCV004537720.1).

ClinVar aggregate classification (germline): Uncertain significance (1 of 4 stars; one submission).

gnomAD v4.1: 1 of 1,613,912 alleles (0.000062%); highest among the groups gnomAD compares: South Asian, 0.0011%; no homozygotes.

Submission:

GeneDx
Classification: Uncertain significance. Last evaluated: 2025-06-12. Review status: criteria provided, single submitter. Criteria: GeneDx Variant Classification Process June 2021. Collection method: clinical testing. Allele origin: germline. Affected: yes.
Comment: Not observed at significant frequency in large population cohorts (gnomAD); In silico analysis suggests that this missense variant does not alter protein structure/function; Has not been previously published as pathogenic or benign to our knowledge; Occurs in the triple helical domain at the X position in the canonical Gly-X-Y repeat; although this variant may have an effect on normal protein folding and function, missense substitution at the X position is not a common mechanism of disease (HGMD)